The following is an entry in ClinVar:

ClinVar aggregate classification (germline): Pathogenic (1 of 4 stars; one submission).

Conditions:
Duchenne muscular dystrophy (DMD). Also called: MUSCULAR DYSTROPHY, PSEUDOHYPERTROPHIC PROGRESSIVE, DUCHENNE TYPE; Duchenne Muscular Dystrophy (DMD). Identifiers: Orphanet 98896, MedGen C0013264, MONDO:0010679, OMIM 310200.

Submission:

Labcorp Genetics (formerly Invitae), Labcorp
Classification: Pathogenic for Duchenne muscular dystrophy. Last evaluated: 2022-08-12. Review status: criteria provided, single submitter. Criteria: Invitae Variant Classification Sherloc (09022015). Collection method: clinical testing. Allele origin: unknown.
Comment: For these reasons, this variant has been classified as Pathogenic. A similar copy number variant has been observed in individuals with Duchenne or Becker muscular dystrophy (PMID: 16834926, 26911353; external communication). This variant results in a copy number gain of the genomic region encompassing exon(s) 17-19 of the DMD gene. While the exact position of this variant cannot be determined from the data, sub-genic copy number gains are generally in tandem (PMID: 25640679). This variant is predicted to be out-of-frame, and may result in an absent or disrupted protein product. Loss-of-function variants in DMD are known to be pathogenic (PMID: 16770791, 25007885).

Literature cited by the submitters: PubMed 16834926; PubMed 26911353; PubMed 25640679; PubMed 16770791; PubMed 25007885.

NC_000023.10:g.(?_32519852)_(32563471_?)dup

Gene: DMD (dystrophin; minus strand). Cytogenetic location: Xp21.1.
Variant type: Duplication.
Identifiers: ClinVar variation 3242865 (VCV003242865.1).